The following is an entry in ClinVar:

NM_001349253.2(SCN11A):c.5266C>T (p.Gln1756Ter)

Gene: SCN11A (sodium voltage-gated channel alpha subunit 11; minus strand). Cytogenetic location: 3p22.2.
Variant type: single nucleotide variant.
Coding change: c.5266C>T on transcript NM_001349253.2 (MANE Select); coding-DNA position 5266, C replaced by T.
Protein change: p.Gln1756Ter; replaces glutamine 1756 with a stop codon.
Molecular consequence: nonsense.
Genome position (GRCh38, 1-based): chr3:38,846,804, G>A on the plus strand (C>T on the coding strand, the complement: SCN11A is on the minus strand). VCF-style: chr3-38846804-G-A. GRCh37 (hg19) VCF-style: chr3-38888295-G-A.
Other names: c.5266C>T, p.Gln1756Ter (NM_014139.3); short protein forms Q1756*.
Identifiers: ClinVar variation 3754509 (VCV003754509.2).

ClinVar aggregate classification (germline): Uncertain significance (1 of 4 stars; one submission).

Conditions:
Hereditary sensory and autonomic neuropathy type 7. Also called: HSAN VII; Neuropathy, hereditary sensory and autonomic, type VII. Identifiers: Orphanet 391397, MedGen C3809882, MONDO:0014244, OMIM 615548.
Familial episodic pain syndrome with predominantly lower limb involvement. Also called: Episodic pain syndrome, familial, 3. Identifiers: Orphanet 391384, Orphanet 391392, MedGen C3809899, MONDO:0014247, OMIM 615552.

gnomAD v4.1: 1 of 1,613,924 alleles (0.000062%); highest among the groups gnomAD compares: African/African-American, 0.0013%; no homozygotes.

Submission:

Labcorp Genetics (formerly Invitae), Labcorp
Classification: Uncertain significance for Familial episodic pain syndrome with predominantly lower limb involvement; Hereditary sensory and autonomic neuropathy type 7. Last evaluated: 2024-02-08. Review status: criteria provided, single submitter. Criteria: Invitae Variant Classification Sherloc (09022015). Collection method: clinical testing. Allele origin: germline.
Comment: This sequence change creates a premature translational stop signal (p.Gln1756*) in the SCN11A gene. While this is not anticipated to result in nonsense mediated decay, it is expected to disrupt the last 36 amino acid(s) of the SCN11A protein. This variant is not present in population databases (gnomAD no frequency). This variant has not been reported in the literature in individuals affected with SCN11A-related conditions. Experimental studies and prediction algorithms are not available or were not evaluated, and the functional significance of this variant is currently unknown. In summary, the available evidence is currently insufficient to determine the role of this variant in disease. Therefore, it has been classified as a Variant of Uncertain Significance.